The following is an entry in ClinVar:

NM_001105206.3(LAMA4):c.5215G>A (p.Asp1739Asn)

Gene: LAMA4 (laminin subunit alpha 4; minus strand). Cytogenetic location: 6q21.
Variant type: single nucleotide variant.
Coding change: c.5215G>A on transcript NM_001105206.3 (MANE Select); coding-DNA position 5215, G replaced by A.
Protein change: p.Asp1739Asn; replaces aspartic acid 1739 with asparagine.
Molecular consequence: missense variant.
Genome position (GRCh38, 1-based): chr6:112,114,187, C>T on the plus strand (G>A on the coding strand, the complement: LAMA4 is on the minus strand). VCF-style: chr6-112114187-C-T. GRCh37 (hg19) VCF-style: chr6-112435390-C-T.
Other names: c.5194G>A, p.Asp1732Asn (NM_001105207.3, NM_002290.5); short protein forms D1732N, D1739N.
Identifiers: ClinVar variation 1745934 (VCV001745934.3), dbSNP rs1554322488, ClinGen allele CA365364479.
Genomic context (GRCh38, chr6:112,114,187, plus strand): 5'-TCAGGGGTCCAACCACATGGTTCACTTCAGAGTCCACATCCAACTGAACCACATTAGAAT[C>T]TCTAATAACTGAAATGCAGGGCAAAGACTGGTCATAAGTGGCACTGGAGTGATGAATTTT-3'
Protein context (NP_001098676.2, residues 1729-1749): GRWHRITVIR[Asp1739Asn]SNVVQLDVDS

ClinVar aggregate classification (germline): Uncertain significance. Review status: criteria provided, multiple submitters, no conflicts (2 of 4 stars). 2 submissions from 2 submitters: Uncertain significance (2). Last evaluated 2025-03-25.

Conditions:
Cardiovascular phenotype. Identifiers: MedGen CN230736.

Allele frequency attached by ClinVar (database versions not stated): gnomAD exomes below 0.00001.
gnomAD v4.1: 6 of 1,613,828 alleles (0.00037%); highest among the groups gnomAD compares: Non-Finnish European, 0.00051%; no homozygotes.

Submissions (2):

GeneDx
Classification: Uncertain significance. Last evaluated: 2025-03-25. Review status: criteria provided, single submitter. Criteria: GeneDx Variant Classification Process June 2021. Collection method: clinical testing. Allele origin: germline. Affected: yes.
Comment: Has not been previously published as pathogenic or benign to our knowledge; In silico analysis indicates that this missense variant does not alter protein structure/function; Not observed at significant frequency in large population cohorts (gnomAD)

Ambry Genetics
Classification: Uncertain significance for Cardiovascular phenotype. Last evaluated: 2023-02-15. Review status: criteria provided, single submitter. Criteria: Ambry Variant Classification Scheme 2023. Collection method: clinical testing. Allele origin: germline.